The following is an entry in ClinVar:

ClinVar aggregate classification (germline): Uncertain significance. Review status: criteria provided, multiple submitters, no conflicts (2 of 4 stars). 2 submissions from 2 submitters: Uncertain significance (2). Last evaluated 2026-02-22.

Conditions:
Glucose-6-phosphate transport defect (GSD1B). Also called: Glycogen Storage Disease Type Ib; GSD Ib. Identifiers: Orphanet 364, Orphanet 79259, MedGen C0268146, MONDO:0009288, OMIM 232220.

Allele frequency attached by ClinVar (database versions not stated): TOPMed below 0.00001.

Submissions (2):

Dasa
Classification: Uncertain significance. Last evaluated: 2026-02-22. Review status: criteria provided, single submitter. Criteria: DASA Assertion Criteria. Collection method: clinical testing. Allele origin: germline.
Comment: NM_001164277.2(SLC37A4):c.358C>T (p.Pro120Ser) is a missense variant that results in the substitution of proline with serine. This variant is rare in population databases. The currently available literature and clinical evidence are not sufficient to establish a definitive association between this variant and the reported condition. Therefore, this variant is classified as a variant of uncertain significance.

Labcorp Genetics (formerly Invitae), Labcorp
Classification: Uncertain significance for Glucose-6-phosphate transport defect. Last evaluated: 2021-08-28. Review status: criteria provided, single submitter. Criteria: Invitae Variant Classification Sherloc (09022015). Collection method: clinical testing. Allele origin: germline.

NM_001164277.2(SLC37A4):c.358C>T (p.Pro120Ser)

Gene: SLC37A4 (solute carrier family 37 member 4; minus strand). Cytogenetic location: 11q23.3.
Variant type: single nucleotide variant.
Coding change: c.358C>T on transcript NM_001164277.2 (MANE Select); coding-DNA position 358, C replaced by T.
Protein change: p.Pro120Ser; replaces proline 120 with serine.
Molecular consequence: missense variant.
Genome position (GRCh38, 1-based): chr11:119,028,217, G>A on the plus strand (C>T on the coding strand, the complement: SLC37A4 is on the minus strand). VCF-style: chr11-119028217-G-A. GRCh37 (hg19) VCF-style: chr11-118898927-G-A.
Other names: c.358C>T, p.Pro120Ser (NM_001164278.2, NM_001164280.2, NM_001467.6); c.139C>T, p.Pro47Ser (NM_001164279.2); short protein forms P120S, P47S.
Identifiers: ClinVar variation 859239 (VCV000859239.7), dbSNP rs1045954164, ClinGen allele CA229599555.